The following is an entry in ClinVar:

NM_001267550.2(TTN):c.21106G>A (p.Asp7036Asn)

Genes: TTN (titin; minus strand), LOC126806428 (BRD4-independent group 4 enhancer GRCh37_chr2:179588362-179589561; plus strand). Cytogenetic location: 2q31.2.
Variant type: single nucleotide variant.
Coding change: c.21106G>A on transcript NM_001267550.2 (MANE Select); coding-DNA position 21106, G replaced by A.
Protein change: p.Asp7036Asn; replaces aspartic acid 7036 with asparagine.
Molecular consequence: missense variant. On other transcripts: intron variant (3).
Genome position (GRCh38, 1-based): chr2:178,724,269, C>T on the plus strand (G>A on the coding strand, the complement: TTN is on the minus strand). VCF-style: chr2-178724269-C-T. GRCh37 (hg19) VCF-style: chr2-179588996-C-T.
Other names: p.D6719N:GAT>AAT; c.20155G>A, p.Asp6719Asn (NM_001256850.1); c.17374G>A, p.Asp5792Asn (NM_133378.4); c.13282+13813G>A (NM_003319.4); c.13858+13813G>A (NM_133437.4); c.13657+13813G>A (NM_133432.3); short protein forms D7036N, D5792N, D6719N.
Identifiers: ClinVar variation 46681 (VCV000046681.52), dbSNP rs72648962, ClinGen allele CA282798.

ClinVar aggregate classification (germline): Benign/Likely benign. Review status: criteria provided, multiple submitters, no conflicts (2 of 4 stars). 27 submissions from 20 submitters: Benign (20); Likely benign (3). 4 of the submissions do not count toward it. Last evaluated 2026-02-04.

Conditions:
Dilated cardiomyopathy 1G (CMD1G). Identifiers: Orphanet 154, MedGen C1858763, MONDO:0011400, OMIM 604145.
Autosomal recessive limb-girdle muscular dystrophy type 2J (LGMDR10). Also called: MUSCULAR DYSTROPHY, LIMB-GIRDLE, AUTOSOMAL RECESSIVE 10; Limb-girdle muscular dystrophy, type 2J. Identifiers: Orphanet 140922, MedGen C1837342, MONDO:0012127, OMIM 608807.
Cardiovascular phenotype. Identifiers: MedGen CN230736.
Cardiomyopathy (CMYO). Also called: Cardiomyopathies. Identifiers: Orphanet 167848, MedGen C0878544, MONDO:0004994, HP:0001638. Inheritance: Various modes of inheritance.
Myopathy, myofibrillar, 9, with early respiratory failure (MFM9). Also called: Myopathy, distal, with early respiratory failure, autosomal dominant; Hereditary myopathy with early respiratory failure; MYOPATHY, PROXIMAL, WITH EARLY RESPIRATORY MUSCLE INVOLVEMENT; EDSTROM MYOPATHY. Identifiers: Orphanet 178464, Orphanet 34521, MedGen C1863599, MONDO:0011362, OMIM 603689.
Early-onset myopathy with fatal cardiomyopathy (CMYO5). Also called: CONGENITAL MYOPATHY 5 WITH CARDIOMYOPATHY; Salih Myopathy. Identifiers: Orphanet 289377, MedGen C2673677, MONDO:0012714, OMIM 611705. Disease mechanism: loss of function.
Tibial muscular dystrophy (TMD). Also called: Udd Distal Myopathy – Tibial Muscular Dystrophy; Tibial muscular dystrophy, tardive; UDD MYOPATHY. Identifiers: Orphanet 609, MedGen C1838244, MONDO:0010870, OMIM 600334.

Allele frequency attached by ClinVar (database versions not stated): gnomAD exomes 0.00180 and 0.00431; ExAC 0.00518; ESP Exome Variant Server 0.01498; 1000 Genomes Project 0.01558; gnomAD 0.01586 and 0.01709; 1000 Genomes Project 30x 0.01640; TOPMed 0.01646.
gnomAD v4.1: 5,208 of 1,612,118 alleles (0.32%); highest among the groups gnomAD compares: African/African-American, 5.3%; 127 homozygotes.

Submissions (27):

Labcorp Genetics (formerly Invitae), Labcorp
Classification: Benign for Dilated cardiomyopathy 1G; Autosomal recessive limb-girdle muscular dystrophy type 2J. Last evaluated: 2026-02-04. Review status: criteria provided, single submitter. Criteria: Invitae Variant Classification Sherloc (09022015). Collection method: clinical testing. Allele origin: germline.

ARUP Laboratories, Molecular Genetics and Genomics, ARUP Laboratories
Classification: Benign. Last evaluated: 2025-07-01. Review status: criteria provided, single submitter. Criteria: ARUP Molecular Germline Variant Investigation Process 2024. Collection method: clinical testing. Allele origin: germline.

Molecular Diagnostic Laboratory for Inherited Cardiovascular Disease, Montreal Heart Institute
Classification: Benign. Last evaluated: 2025-04-09. Review status: criteria provided, single submitter. Criteria: ACMG Guidelines, 2015. Collection method: clinical testing. Allele origin: germline. Affected: no.

Women's Health and Genetics/Laboratory Corporation of America, LabCorp
Classification: Likely benign. Last evaluated: 2024-03-29. Review status: criteria provided, single submitter. Criteria: LabCorp Variant Classification Summary - May 2015. Collection method: clinical testing. Allele origin: germline.

Genome-Nilou Lab
Classification: Benign for Autosomal recessive limb-girdle muscular dystrophy type 2J. Last evaluated: 2021-09-10. Review status: criteria provided, single submitter. Criteria: ACMG Guidelines, 2015. Collection method: clinical testing. Allele origin: germline. Affected: no.

Genome-Nilou Lab
Classification: Benign for Myopathy, myofibrillar, 9, with early respiratory failure. Last evaluated: 2021-09-10. Review status: criteria provided, single submitter. Criteria: ACMG Guidelines, 2015. Collection method: clinical testing. Allele origin: germline. Affected: no.

Genome-Nilou Lab
Classification: Benign for Early-onset myopathy with fatal cardiomyopathy. Last evaluated: 2021-09-10. Review status: criteria provided, single submitter. Criteria: ACMG Guidelines, 2015. Collection method: clinical testing. Allele origin: germline. Affected: no.

Genome-Nilou Lab
Classification: Benign for Tibial muscular dystrophy. Last evaluated: 2021-09-10. Review status: criteria provided, single submitter. Criteria: ACMG Guidelines, 2015. Collection method: clinical testing. Allele origin: germline. Affected: no.

Mayo Clinic Laboratories, Mayo Clinic
Classification: Benign. Last evaluated: 2019-09-27. Review status: criteria provided, single submitter. Criteria: ACMG Guidelines, 2015. Collection method: clinical testing. Allele origin: germline. Observed: 25 variant alleles.

Athena Diagnostics
Classification: Benign. Last evaluated: 2019-05-10. Review status: criteria provided, single submitter. Criteria: Athena Diagnostics Criteria. Collection method: clinical testing. Allele origin: germline.

Illumina Laboratory Services, Illumina
Classification: Benign for Myopathy, myofibrillar, 9, with early respiratory failure. Last evaluated: 2018-01-13. Review status: criteria provided, single submitter. Criteria: ICSL Variant Classification Criteria 13 December 2019. Collection method: clinical testing. Allele origin: germline.
Comment: This variant was observed in the ICSL laboratory as part of a predisposition screen in an ostensibly healthy population. It had not been previously curated by ICSL or reported in the Human Gene Mutation Database (HGMD: prior to June 1st, 2018), and was therefore a candidate for classification through an automated scoring system. Utilizing variant allele frequency, disease prevalence and penetrance estimates, and inheritance mode, an automated score was calculated to assess if this variant is too frequent to cause the disease. Based on the score and internal cut-off values, a variant classified as benign is not then subjected to further curation. The score for this variant resulted in a classification of benign for this disease.

Illumina Laboratory Services, Illumina
Classification: Likely benign for Dilated cardiomyopathy 1G. Last evaluated: 2018-01-13. Review status: criteria provided, single submitter. Criteria: ICSL Variant Classification Criteria 13 December 2019. Collection method: clinical testing. Allele origin: germline.
Comment: This variant was observed in the ICSL laboratory as part of a predisposition screen in an ostensibly healthy population. It had not been previously curated by ICSL or reported in the Human Gene Mutation Database (HGMD: prior to June 1st, 2018), and was therefore a candidate for classification through an automated scoring system. Utilizing variant allele frequency, disease prevalence and penetrance estimates, and inheritance mode, an automated score was calculated to assess if this variant is too frequent to cause the disease. Based on the score and internal cut-off values, a variant classified as likely benign is not then subjected to further curation. The score for this variant resulted in a classification of likely benign for this disease.

Illumina Laboratory Services, Illumina
Classification: Benign for Autosomal recessive limb-girdle muscular dystrophy type 2J. Last evaluated: 2018-01-13. Review status: criteria provided, single submitter. Criteria: ICSL Variant Classification Criteria 13 December 2019. Collection method: clinical testing. Allele origin: germline.
Comment: the same text as in the submission from Illumina Laboratory Services, Illumina above.

Illumina Laboratory Services, Illumina
Classification: Benign for Tibial muscular dystrophy. Last evaluated: 2018-01-13. Review status: criteria provided, single submitter. Criteria: ICSL Variant Classification Criteria 13 December 2019. Collection method: clinical testing. Allele origin: germline.
Comment: the same text as in the submission from Illumina Laboratory Services, Illumina above.

Illumina Laboratory Services, Illumina
Classification: Benign for Early-onset myopathy with fatal cardiomyopathy. Last evaluated: 2018-01-13. Review status: criteria provided, single submitter. Criteria: ICSL Variant Classification Criteria 13 December 2019. Collection method: clinical testing. Allele origin: germline.
Comment: the same text as in the submission from Illumina Laboratory Services, Illumina above.

CHEO Genetics Diagnostic Laboratory, Children's Hospital of Eastern Ontario
Classification: Benign for Cardiomyopathy. Last evaluated: 2016-03-02. Review status: criteria provided, single submitter. Criteria: ACMG Guidelines, 2015. Collection method: clinical testing. Allele origin: germline. Study: Canadian Open Genetics Repository.

GeneDx
Classification: Benign. Last evaluated: 2014-03-26. Review status: criteria provided, single submitter. Criteria: GeneDx Variant Classification (06012015). Collection method: clinical testing. Allele origin: germline. Affected: yes.
Comment: This variant is considered likely benign or benign based on one or more of the following criteria: it is a conservative change, it occurs at a poorly conserved position in the protein, it is predicted to be benign by multiple in silico algorithms, and/or has population frequency not consistent with disease.

Genetic Services Laboratory, University of Chicago
Classification: Benign for AllHighlyPenetrant. Last evaluated: 2013-08-15. Review status: criteria provided, single submitter. Criteria: ACMG Guidelines, 2007. Collection method: clinical testing. Allele origin: germline.

Biesecker Lab/Clinical Genomics Section, National Institutes of Health
Classification: Benign. Last evaluated: 2013-06-24. Review status: criteria provided, single submitter. Criteria: Ng et al. (Circ Cardiovasc Genet. 2013). Collection method: research. Allele origin: unknown. Observed: 9 variant alleles. Study: ClinSeq.
Comment: The study set was not selected for affection status in relation to any cancer. Pathogenicity categories were based on literature curation. See Pubmed ID:23861362 for details.

Medical sequencing

Ambry Genetics
Classification: Benign for Cardiovascular phenotype. Last evaluated: 2012-12-14. Review status: criteria provided, single submitter. Criteria: Ambry Autosomal Dominant and X-Linked criteria (10/2015). Collection method: clinical testing. Allele origin: germline. Observed: 1 variant allele.

Laboratory for Molecular Medicine, Mass General Brigham Personalized Medicine
Classification: Benign. Last evaluated: 2012-07-06. Review status: criteria provided, single submitter. Criteria: LMM Criteria. Collection method: clinical testing. Allele origin: germline. Observed: 30 variant alleles.
Comment: 4.6% (177/3830) in Afr Amer chrom from ESP

Breakthrough Genomics
Classification: Likely benign. Review status: criteria provided, single submitter. Criteria: ACMG Guidelines, 2015. Collection method: not provided. Allele origin: germline. Inheritance: Autosomal recessive inheritance. Affected: yes.

PreventionGenetics, part of Exact Sciences
Classification: Benign. Review status: criteria provided, single submitter. Criteria: ACMG Guidelines, 2015. Collection method: clinical testing. Allele origin: germline.

Clinical Genetics DNA and cytogenetics Diagnostics Lab, Erasmus MC, Erasmus Medical Center
Classification: Benign. Review status: no assertion criteria provided. Collection method: clinical testing. Allele origin: germline. Affected: yes. Study: VKGL Data-share Consensus. Not counted in ClinVar's aggregate classification.

Clinical Genetics, Academic Medical Center
Classification: Benign. Review status: no assertion criteria provided. Collection method: clinical testing. Allele origin: germline. Affected: yes. Study: VKGL Data-share Consensus. Not counted in ClinVar's aggregate classification.

Diagnostic Laboratory, Department of Genetics, University Medical Center Groningen
Classification: Likely benign. Review status: no assertion criteria provided. Collection method: clinical testing. Allele origin: germline. Affected: yes. Study: VKGL Data-share Consensus. Not counted in ClinVar's aggregate classification.

Laboratory of Diagnostic Genome Analysis, Leiden University Medical Center (LUMC)
Classification: Likely benign. Review status: no assertion criteria provided. Collection method: clinical testing. Allele origin: germline. Affected: yes. Study: VKGL Data-share Consensus. Not counted in ClinVar's aggregate classification.